The following is an entry in ClinVar:

ClinVar aggregate classification (germline): Likely pathogenic (1 of 4 stars; one submission).

Conditions:
Familial cancer of breast. Also called: hereditary breast carcinoma; Hereditary breast cancer; BREAST CANCER, FAMILIAL. Identifiers: Orphanet 227535, MedGen C0346153, MONDO:0016419, OMIM 114480. Disease mechanism: loss of function.

Submission:

Labcorp Genetics (formerly Invitae), Labcorp
Classification: Likely pathogenic for Familial cancer of breast. Last evaluated: 2022-10-28. Review status: criteria provided, single submitter. Criteria: Invitae Variant Classification Sherloc (09022015). Collection method: clinical testing. Allele origin: germline.
Comment: In summary, the currently available evidence indicates that the variant is pathogenic, but additional data are needed to prove that conclusively. Therefore, this variant has been classified as Likely Pathogenic. This variant disrupts the nuclear localization signal (NLS) of the CHEK2 protein, which is critical for proper nuclear localization (PMID: 18004398, 12909615). While functional studies have not been performed to directly test the effect of this variant on CHEK2 protein function, this suggests that disruption of this region of the protein is causative of disease. Variants that disrupt the consensus splice site are a relatively common cause of aberrant splicing (PMID: 17576681, 9536098). Studies have shown that disruption of this splice site results in skipping of exon 15 and activation of a cryptic splice site and introduces a new termination codon (Invitae). However the mRNA is not expected to undergo nonsense-mediated decay. ClinVar contains an entry for this variant (Variation ID: 1373986). This variant has not been reported in the literature in individuals affected with CHEK2-related conditions. This variant is not present in population databases (gnomAD no frequency). This sequence change affects an acceptor splice site in intron 14 of the CHEK2 gene. RNA analysis indicates that disruption of this splice site induces altered splicing and likely disrupts the C-terminus of the protein.

Literature cited by the submitters: PubMed 18004398; PubMed 12909615; PubMed 17576681; PubMed 9536098.

NM_007194.4(CHEK2):c.1543-1G>C

Gene: CHEK2 (checkpoint kinase 2; minus strand). Cytogenetic location: 22q12.1.
Variant type: single nucleotide variant.
Coding change: c.1543-1G>C on transcript NM_007194.4 (MANE Select); the canonical splice acceptor site of the intron before coding-DNA position 1543, G replaced by C.
Molecular consequence: splice acceptor variant.
Genome position (GRCh38, 1-based): chr22:28,687,987, C>G on the plus strand (G>C on the coding strand, the complement: CHEK2 is on the minus strand). VCF-style: chr22-28687987-C-G. GRCh37 (hg19) VCF-style: chr22-29083975-C-G.
Other names: c.880-1G>C (NM_001437942.1, NM_001257387.3); c.1342-1G>C (NM_001349956.3); c.1456-1G>C (NM_145862.3); c.1549-1G>C (NM_001438295.1); c.1636-1G>C (NM_001438293.1); c.1585-1G>C (NM_001438294.1); c.1672-1G>C (NM_001005735.3).
Identifiers: ClinVar variation 1373986 (VCV001373986.9), dbSNP rs2052190289, ClinGen allele CA411091533.